The following is an entry in ClinVar:

NC_000022.10:g.(?_40741451)_(40756516_?)del

Gene: ADSL (adenylosuccinate lyase; plus strand). Cytogenetic location: 22q13.1.
Variant type: Deletion.
Identifiers: ClinVar variation 2422149 (VCV002422149.3).

ClinVar aggregate classification (germline): Pathogenic (1 of 4 stars; one submission).

Conditions:
Adenylosuccinate lyase deficiency (ADSLD). Also called: ADSL DEFICIENCY. Identifiers: Orphanet 46, MedGen C0268126, MONDO:0007068, OMIM 103050.

Submission:

Labcorp Genetics (formerly Invitae), Labcorp
Classification: Pathogenic for Adenylosuccinate lyase deficiency. Last evaluated: 2023-11-27. Review status: criteria provided, single submitter. Criteria: Invitae Variant Classification Sherloc (09022015). Collection method: clinical testing. Allele origin: germline.
Comment: This variant is a gross deletion of the genomic region encompassing exon(s) 1-7 of the ADSL gene, which includes the initiator codon. This deletion extends beyond the assayed region for this gene and therefore may encompass additional genes. It is expected to result in an absent or disrupted protein product. Loss-of-function variants in ADSL are known to be pathogenic (PMID: 10888601, 20177786). This variant has not been reported in the literature in individuals affected with ADSL-related conditions. For these reasons, this variant has been classified as Pathogenic.

Literature cited by the submitters: PubMed 10888601; PubMed 20177786.